The following is an entry in ClinVar:

ClinVar aggregate classification (germline): Uncertain significance (1 of 4 stars; one submission).

Conditions:
Centromeric instability of chromosomes 1,9 and 16 and immunodeficiency (ICF1). Also called: CENTROMERIC INSTABILITY, IMMUNODEFICIENCY SYNDROME; Immunodeficiency-centromeric instability-facial anomalies; IMMUNE DEFICIENCY, VARIABLE, WITH CENTROMERIC INSTABILITY OF CHROMOSOMES 1, 9, AND 16; IMMUNODEFICIENCY SYNDROME, VARIABLE. Identifiers: Orphanet 2268, MedGen C0398788, MONDO:0000133.

Submission:

Labcorp Genetics (formerly Invitae), Labcorp
Classification: Uncertain significance for Centromeric instability of chromosomes 1,9 and 16 and immunodeficiency. Last evaluated: 2024-10-16. Review status: criteria provided, single submitter. Criteria: Invitae Variant Classification Sherloc (09022015). Collection method: clinical testing. Allele origin: germline.
Comment: This sequence change replaces proline, which is neutral and non-polar, with arginine, which is basic and polar, at codon 565 of the DNMT3B protein (p.Pro565Arg). This variant is not present in population databases (gnomAD no frequency). This variant has not been reported in the literature in individuals affected with DNMT3B-related conditions. ClinVar contains an entry for this variant (Variation ID: 2094743). Invitae Evidence Modeling of protein sequence and biophysical properties (such as structural, functional, and spatial information, amino acid conservation, physicochemical variation, residue mobility, and thermodynamic stability) has been performed for this missense variant. However, the output from this modeling did not meet the statistical confidence thresholds required to predict the impact of this variant on DNMT3B protein function. In summary, the available evidence is currently insufficient to determine the role of this variant in disease. Therefore, it has been classified as a Variant of Uncertain Significance.

NM_006892.4(DNMT3B):c.1694C>G (p.Pro565Arg)

Genes: DNMT3B (DNA methyltransferase 3 beta; plus strand), LOC126863014 (CDK7 strongly-dependent group 2 enhancer GRCh37_chr20:31385992-31387191; plus strand). Cytogenetic location: 20q11.21.
Variant type: single nucleotide variant.
Coding change: c.1694C>G on transcript NM_006892.4 (MANE Select); coding-DNA position 1694, C replaced by G.
Protein change: p.Pro565Arg; replaces proline 565 with arginine.
Molecular consequence: missense variant.
Genome position (GRCh38, 1-based): chr20:32,799,263, C>G. VCF-style: chr20-32799263-C-G. GRCh37 (hg19) VCF-style: chr20-31387069-C-G.
Other names: c.1508C>G, p.Pro503Arg (NM_001207055.2); c.1406C>G, p.Pro469Arg (NM_001207056.2); c.1634C>G, p.Pro545Arg (NM_175848.2, NM_175849.2); c.1670C>G, p.Pro557Arg (NM_175850.3); short protein forms P503R, P565R, P557R, P469R, P545R.
Identifiers: ClinVar variation 2094743 (VCV002094743.4), dbSNP rs1981029072, ClinGen allele CA408587582.